The following is an entry in ClinVar:

ClinVar aggregate classification (germline): Pathogenic/Likely pathogenic. Review status: criteria provided, multiple submitters, no conflicts (2 of 4 stars). 5 submissions from 5 submitters: Pathogenic (3); Likely pathogenic (1). 1 of the submissions does not count toward it. Last evaluated 2025-08-18.

Conditions:
Microcephaly, normal intelligence and immunodeficiency (NBS). Also called: SEEMANOVA SYNDROME II; IMMUNODEFICIENCY, MICROCEPHALY, AND CHROMOSOMAL INSTABILITY; Immunodeficiency, microcephaly with normal intelligence; BERLIN BREAKAGE SYNDROME; Nijmegen breakage syndrome; Microcephaly with normal intelligence immunodeficiency and lymphoreticular malignancies. Identifiers: Orphanet 647, MedGen C0398791, MONDO:0009623, OMIM 251260.
Hereditary cancer-predisposing syndrome. Also called: Hereditary neoplastic syndrome; Tumor predisposition; Neoplastic Syndromes, Hereditary; Hereditary Cancer Syndrome. Identifiers: Orphanet 140162, MedGen C0027672, MeSH D009386, MONDO:0015356.
Breast and/or ovarian cancer. Identifiers: MedGen CN221562.
Aplastic anemia. Identifiers: Orphanet 182040, Orphanet 88, MedGen C0002874, MONDO:0015909, OMIM 609135, HP:0001915.

Allele frequency attached by ClinVar (database versions not stated): gnomAD exomes below 0.00001; gnomAD 0.00001.
gnomAD v4.1: 3 of 1,613,872 alleles (0.00019%); highest among the groups gnomAD compares: East Asian, 0.0022%; no homozygotes.

Submissions (5):

Natera, Inc.
Classification: Likely pathogenic for Nijmegen breakage syndrome. Last evaluated: 2025-08-18. Review status: criteria provided, single submitter. Criteria: Natera Variant Classification Schema (03/2026). Collection method: clinical testing. Allele origin: germline.
Comment: The c.1645A>T variant in NBN is a nonsense variant predicted to introduce a stop codon at amino acid 549. This variant is expected to result in nonsense mediated decay, truncation, or a dysfunctional protein product. This variant is rare in the general population with a frequency below the threshold expected for the associated phenotype(s). Given the available evidence, this variant is classified as Likely Pathogenic.

Baylor Genetics
Classification: Pathogenic for Aplastic anemia. Last evaluated: 2022-12-05. Review status: criteria provided, single submitter. Criteria: ACMG Guidelines, 2015. Collection method: clinical testing. Allele origin: unknown.

Labcorp Genetics (formerly Invitae), Labcorp
Classification: Pathogenic for Microcephaly, normal intelligence and immunodeficiency. Last evaluated: 2021-10-19. Review status: criteria provided, single submitter. Criteria: Invitae Variant Classification Sherloc (09022015). Collection method: clinical testing. Allele origin: germline.
Comment: Loss-of-function variants in NBN are known to be pathogenic (PMID: 9590180, 16415040). This variant has not been reported in the literature in individuals with NBN-related conditions. This variant is not present in population databases (ExAC no frequency). This sequence change creates a premature translational stop signal (p.Lys549*) in the NBN gene. It is expected to result in an absent or disrupted protein product. For these reasons, this variant has been classified as Pathogenic.

Ambry Genetics
Classification: Pathogenic for Hereditary cancer-predisposing syndrome. Last evaluated: 2021-06-22. Review status: criteria provided, single submitter. Criteria: Ambry Variant Classification Scheme 2023. Collection method: clinical testing. Allele origin: germline.
Comment: The p.K549* pathogenic mutation (also known as c.1645A>T), located in coding exon 11 of the NBN gene, results from an A to T substitution at nucleotide position 1645. This changes the amino acid from a lysine to a stop codon within coding exon 11. This variant was reported in 1/60,466 breast cancer cases and in 0/53,461 controls (Dorling et al. N Engl J Med. 2021 02;384:428-439). In addition to the clinical data presented in the literature, this alteration is expected to result in loss of function by premature protein truncation or nonsense-mediated mRNA decay. As such, this alteration is interpreted as a disease-causing mutation.

CZECANCA consortium
Classification: Pathogenic for Breast and/or ovarian cancer. Last evaluated: 2019-06-11. Review status: no assertion criteria provided. Collection method: clinical testing. Allele origin: germline. Affected: yes. Observed: 1 variant allele. Not counted in ClinVar's aggregate classification.

Literature cited by the submitters: PubMed 9590180 (cited by Labcorp Genetics (formerly Invitae), Labcorp); PubMed 16415040 (cited by Labcorp Genetics (formerly Invitae), Labcorp); PubMed 33471991 (cited by Ambry Genetics); PubMed 32295079 (cited by CZECANCA consortium).

NM_002485.5(NBN):c.1645A>T (p.Lys549Ter)

Gene: NBN (nibrin; minus strand). Cytogenetic location: 8q21.3.
Variant type: single nucleotide variant.
Coding change: c.1645A>T on transcript NM_002485.5 (MANE Select); coding-DNA position 1645, A replaced by T.
Protein change: p.Lys549Ter; replaces lysine 549 with a stop codon.
Molecular consequence: nonsense.
Genome position (GRCh38, 1-based): chr8:89,953,444, T>A on the plus strand (A>T on the coding strand, the complement: NBN is on the minus strand). VCF-style: chr8-89953444-T-A. GRCh37 (hg19) VCF-style: chr8-90965672-T-A.
Other names: c.1399A>T, p.Lys467Ter (NM_001024688.3); short protein forms K549*, K467*.
Identifiers: ClinVar variation 855637 (VCV000855637.13), dbSNP rs1810540992, ClinGen allele CA371655412.